The following is an entry in ClinVar:

ClinVar aggregate classification (germline): Uncertain significance (1 of 4 stars; one submission).

Allele frequency attached by ClinVar (database versions not stated): TOPMed below 0.00001; gnomAD exomes 0.00001.
gnomAD v4.1: 6 of 1,591,092 alleles (0.00038%); highest among the groups gnomAD compares: Admixed American, 0.0018%; no homozygotes.

Submission:

Labcorp Genetics (formerly Invitae), Labcorp
Classification: Uncertain significance. Last evaluated: 2020-12-11. Review status: criteria provided, single submitter. Criteria: Invitae Variant Classification Sherloc (09022015). Collection method: clinical testing. Allele origin: germline.
Comment: In summary, the available evidence is currently insufficient to determine the role of this variant in disease. Therefore, it has been classified as a Variant of Uncertain Significance. Experimental studies and prediction algorithms are not available or were not evaluated, and the functional significance of this variant is currently unknown. This variant has not been reported in the literature in individuals with SLC46A1-related conditions. This variant is not present in population databases (ExAC no frequency). This sequence change replaces serine with leucine at codon 121 of the SLC46A1 protein (p.Ser121Leu). The serine residue is weakly conserved and there is a large physicochemical difference between serine and leucine.

NM_080669.6(SLC46A1):c.362C>T (p.Ser121Leu)

Gene: SLC46A1 (solute carrier family 46 member 1; minus strand). Cytogenetic location: 17q11.2.
Variant type: single nucleotide variant.
Coding change: c.362C>T on transcript NM_080669.6 (MANE Select); coding-DNA position 362, C replaced by T.
Protein change: p.Ser121Leu; replaces serine 121 with leucine.
Molecular consequence: missense variant.
Genome position (GRCh38, 1-based): chr17:28,405,335, G>A on the plus strand (C>T on the coding strand, the complement: SLC46A1 is on the minus strand). VCF-style: chr17-28405335-G-A. GRCh37 (hg19) VCF-style: chr17-26732353-G-A.
Other names: c.362C>T, p.Ser121Leu (NM_001242366.3); short protein forms S121L.
Identifiers: ClinVar variation 1355677 (VCV001355677.4), dbSNP rs1555590938, ClinGen allele CA398352293.